The following is an entry in ClinVar:

ClinVar aggregate classification (germline): Uncertain significance (1 of 4 stars; one submission).

Allele frequency attached by ClinVar (database versions not stated): gnomAD exomes below 0.00001.

Submission:

Labcorp Genetics (formerly Invitae), Labcorp
Classification: Uncertain significance. Last evaluated: 2023-02-26. Review status: criteria provided, single submitter. Criteria: Invitae Variant Classification Sherloc (09022015). Collection method: clinical testing. Allele origin: germline.
Comment: In summary, the available evidence is currently insufficient to determine the role of this variant in disease. Therefore, it has been classified as a Variant of Uncertain Significance. Experimental studies and prediction algorithms are not available or were not evaluated, and the functional significance of this variant is currently unknown. This variant has not been reported in the literature in individuals affected with GFER-related conditions. This variant is not present in population databases (gnomAD no frequency). This sequence change creates a premature translational stop signal (p.Arg150Lysfs*28) in the GFER gene. While this is not anticipated to result in nonsense mediated decay, it is expected to disrupt the last 56 amino acid(s) of the GFER protein.

NM_005262.3(GFER):c.449del (p.Arg150fs)

Gene: GFER (growth factor, augmenter of liver regeneration; plus strand). Cytogenetic location: 16p13.3.
Variant type: Deletion.
Coding change: c.449del on transcript NM_005262.3 (MANE Select); coding-DNA position 449, one base deleted (G; older notation c.449delG).
Protein change: p.Arg150fs; shifts the reading frame from arginine 150.
Molecular consequence: frameshift variant.
Genome position (GRCh38, 1-based): chr16:1,984,937, G deleted. VCF-style (leftmost placement, unchanged base first): chr16-1984936-AG-A. GRCh37 (hg19) VCF-style: chr16-2034937-AG-A.
Other names: short protein forms R150fs.
Identifiers: ClinVar variation 2804997 (VCV002804997.3), dbSNP rs2548269204, ClinGen allele CA2631091919.
Genomic context (GRCh38, chr16:1,984,936, plus strand): 5'-GCCCAGTTCATACATTTATTTTCTAAGTTTTACCCCTGTGAGGAGTGTGCTGAAGACCTA[AG>A]AAAAAGGTAAGATGTGTTTGCACGCAGCAGAGCTTTGCACTGGAGCCTGGGCCTGGGGCT-3'